The following is an entry in ClinVar:

NM_004813.4(PEX16):c.448G>T (p.Ala150Ser)

Gene: PEX16 (peroxisomal biogenesis factor 16; minus strand). Cytogenetic location: 11p11.2.
Variant type: single nucleotide variant.
Coding change: c.448G>T on transcript NM_004813.4 (MANE Select); coding-DNA position 448, G replaced by T.
Protein change: p.Ala150Ser; replaces alanine 150 with serine.
Molecular consequence: missense variant.
Genome position (GRCh38, 1-based): chr11:45,915,480, C>A on the plus strand (G>T on the coding strand, the complement: PEX16 is on the minus strand). VCF-style: chr11-45915480-C-A. GRCh37 (hg19) VCF-style: chr11-45937031-C-A.
Other names: c.448G>T, p.Ala150Ser (NM_057174.3); short protein forms A150S.
Identifiers: ClinVar variation 1346331 (VCV001346331.4), dbSNP rs772360222, ClinGen allele CA5959975.

ClinVar aggregate classification (germline): Uncertain significance (1 of 4 stars; one submission).

Conditions:
Peroxisome biogenesis disorder. Identifiers: Orphanet 79189, MedGen C1832200, MONDO:0019234. Disease mechanism: loss of function.

Allele frequency attached by ClinVar (database versions not stated): gnomAD exomes 0.00001; TOPMed 0.00001; ExAC 0.00002.

Submission:

Labcorp Genetics (formerly Invitae), Labcorp
Classification: Uncertain significance for Peroxisome biogenesis disorder. Last evaluated: 2024-02-26. Review status: criteria provided, single submitter. Criteria: Invitae Variant Classification Sherloc (09022015). Collection method: clinical testing. Allele origin: germline.
Comment: This sequence change replaces alanine, which is neutral and non-polar, with serine, which is neutral and polar, at codon 150 of the PEX16 protein (p.Ala150Ser). This variant is present in population databases (rs772360222, gnomAD 0.01%). This variant has not been reported in the literature in individuals affected with PEX16-related conditions. ClinVar contains an entry for this variant (Variation ID: 1346331). Advanced modeling of protein sequence and biophysical properties (such as structural, functional, and spatial information, amino acid conservation, physicochemical variation, residue mobility, and thermodynamic stability) performed at Invitae indicates that this missense variant is not expected to disrupt PEX16 protein function with a negative predictive value of 80%. In summary, the available evidence is currently insufficient to determine the role of this variant in disease. Therefore, it has been classified as a Variant of Uncertain Significance.